The following is an entry in ClinVar:

NM_002691.4(POLD1):c.237_238delinsCT (p.Trp79_Leu80delinsCysPhe)

Gene: POLD1 (DNA polymerase delta 1, catalytic subunit; plus strand). Cytogenetic location: 19q13.33.
Variant type: Indel.
Coding change: c.237_238delinsCT on transcript NM_002691.4 (MANE Select); coding-DNA positions 237 to 238, GC replaced by CT.
Protein change: p.Trp79_Leu80delinsCysPhe.
Molecular consequence: missense variant. On other transcripts: non-coding transcript variant (1).
Genome position (GRCh38, 1-based): chr19:50,399,405-50,399,406, GC replaced by CT. VCF-style: chr19-50399405-GC-CT. GRCh37 (hg19) VCF-style: chr19-50902662-GC-CT.
Other names: c.237_238delinsCT, p.Trp79_Leu80delinsCysPhe (NM_001256849.1, NM_001308632.1).
Identifiers: ClinVar variation 839792 (VCV000839792.8), dbSNP rs2038498593, ClinGen allele CA916082468.

ClinVar aggregate classification (germline): Uncertain significance (1 of 4 stars; one submission).

Conditions:
POLD1-related polyposis and colorectal cancer syndrome (CRCS10). Also called: Colorectal cancer 10; COLORECTAL CANCER, SUSCEPTIBILITY TO, ON CHROMOSOME 19q; Colorectal cancer, susceptibility to, 10. Identifiers: Orphanet 220460, MedGen C2675481, MONDO:0012953, OMIM 612591.

Submission:

Labcorp Genetics (formerly Invitae), Labcorp
Classification: Uncertain significance for POLD1-related polyposis and colorectal cancer syndrome. Last evaluated: 2019-01-29. Review status: criteria provided, single submitter. Criteria: Invitae Variant Classification Sherloc (09022015). Collection method: clinical testing. Allele origin: germline.
Comment: In summary, the available evidence is currently insufficient to determine the role of this variant in disease. Therefore, it has been classified as a Variant of Uncertain Significance. Experimental studies and prediction algorithms are not available for this variant, and the functional significance of the affected amino acids is currently unknown. This variant has not been reported in the literature in individuals with POLD1-related conditions. This variant is not present in population databases (ExAC no frequency). This sequence change replaces tryptophan and leucine with cysteine and phenylalanine at codons 79-80 of the POLD1 protein (p.Trp79_Leu80delinsCysPhe).